The following is an entry in ClinVar:

ClinVar aggregate classification (germline): Uncertain significance. Review status: criteria provided, multiple submitters, no conflicts (2 of 4 stars). 3 submissions from 3 submitters: Uncertain significance (3). Last evaluated 2025-05-21.

Conditions:
Hereditary cancer-predisposing syndrome. Also called: Tumor predisposition; Neoplastic Syndromes, Hereditary; Hereditary Cancer Syndrome; Hereditary neoplastic syndrome. Identifiers: Orphanet 140162, MedGen C0027672, MeSH D009386, MONDO:0015356.
Fanconi anemia complementation group J. Also called: BRIP1-Related Fanconi Anemia. Identifiers: Orphanet 84, MedGen C1836860, MONDO:0012187, OMIM 609054.
Familial cancer of breast. Also called: BREAST CANCER, FAMILIAL; Hereditary breast cancer; hereditary breast carcinoma. Identifiers: Orphanet 227535, MedGen C0346153, MONDO:0016419, OMIM 114480. Disease mechanism: loss of function.

Submissions (3):

Ambry Genetics
Classification: Uncertain significance for Hereditary cancer-predisposing syndrome. Last evaluated: 2025-05-21. Review status: criteria provided, single submitter. Criteria: Ambry Variant Classification Scheme 2023. Collection method: clinical testing. Allele origin: germline.
Comment: The p.E387K variant (also known as c.1159G>A), located in coding exon 8 of the BRIP1 gene, results from a G to A substitution at nucleotide position 1159. The glutamic acid at codon 387 is replaced by lysine, an amino acid with similar properties. This amino acid position is not well conserved in available vertebrate species. In silico splice site analysis predicts that this alteration may result in the creation or strengthening of a novel splice acceptor site. In addition, this alteration is predicted to be tolerated by in silico analysis. Based on the available evidence, the clinical significance of this variant remains unclear.

Color Diagnostics, LLC DBA Color Health
Classification: Uncertain significance for Hereditary cancer-predisposing syndrome. Last evaluated: 2025-02-10. Review status: criteria provided, single submitter. Criteria: ACMG Guidelines, 2015. Collection method: clinical testing. Allele origin: germline.
Comment: This missense variant replaces glutamic acid with lysine at codon 387 of the BRIP1 protein. Computational prediction suggests that this variant may not impact protein structure and function. To our knowledge, functional studies have not been reported for this variant. This variant has not been reported in individuals affected with hereditary cancer in the literature. This variant has not been identified in the general population by the Genome Aggregation Database (gnomAD). The available evidence is insufficient to determine the role of this variant in disease conclusively. Therefore, this variant is classified as a Variant of Uncertain Significance.

Labcorp Genetics (formerly Invitae), Labcorp
Classification: Uncertain significance for Familial cancer of breast; Fanconi anemia complementation group J. Last evaluated: 2022-09-02. Review status: criteria provided, single submitter. Criteria: Invitae Variant Classification Sherloc (09022015). Collection method: clinical testing. Allele origin: germline.
Comment: In summary, the available evidence is currently insufficient to determine the role of this variant in disease. Therefore, it has been classified as a Variant of Uncertain Significance. Algorithms developed to predict the effect of sequence changes on RNA splicing suggest that this variant may create or strengthen a splice site. Algorithms developed to predict the effect of missense changes on protein structure and function are either unavailable or do not agree on the potential impact of this missense change (SIFT: "Tolerated"; PolyPhen-2: "Possibly Damaging"; Align-GVGD: "Class C0"). ClinVar contains an entry for this variant (Variation ID: 479414). This variant has not been reported in the literature in individuals affected with BRIP1-related conditions. This variant is not present in population databases (gnomAD no frequency). This sequence change replaces glutamic acid, which is acidic and polar, with lysine, which is basic and polar, at codon 387 of the BRIP1 protein (p.Glu387Lys).

NM_032043.3(BRIP1):c.1159G>A (p.Glu387Lys)

Gene: BRIP1 (BRCA1 interacting DNA helicase 1; minus strand). Cytogenetic location: 17q23.2.
Variant type: single nucleotide variant.
Coding change: c.1159G>A on transcript NM_032043.3 (MANE Select); coding-DNA position 1159, G replaced by A.
Protein change: p.Glu387Lys; replaces glutamic acid 387 with lysine.
Molecular consequence: missense variant.
Genome position (GRCh38, 1-based): chr17:61,799,281, C>T on the plus strand (G>A on the coding strand, the complement: BRIP1 is on the minus strand). VCF-style: chr17-61799281-C-T. GRCh37 (hg19) VCF-style: chr17-59876642-C-T.
Other names: short protein forms E387K.
Identifiers: ClinVar variation 479414 (VCV000479414.14), dbSNP rs1555607230, ClinGen allele CA400483796.